The following is an entry in ClinVar:

NM_000540.3(RYR1):c.10811A>G (p.Tyr3604Cys)

Gene: RYR1 (ryanodine receptor 1; plus strand). Cytogenetic location: 19q13.2.
Variant type: single nucleotide variant.
Coding change: c.10811A>G on transcript NM_000540.3 (MANE Select); coding-DNA position 10811, A replaced by G.
Protein change: p.Tyr3604Cys; replaces tyrosine 3604 with cysteine.
Molecular consequence: missense variant.
Genome position (GRCh38, 1-based): chr19:38,527,771, A>G. VCF-style: chr19-38527771-A-G. GRCh37 (hg19) VCF-style: chr19-39018411-A-G.
Other names: c.10796A>G, p.Tyr3599Cys (NM_001042723.2); short protein forms Y3604C, Y3599C.
Identifiers: ClinVar variation 3436547 (VCV003436547.2).

ClinVar aggregate classification (germline): Uncertain significance. Review status: criteria provided, multiple submitters, no conflicts (2 of 4 stars). 2 submissions from 2 submitters: Uncertain significance (2). Last evaluated 2026-03-09.

Conditions:
Inborn genetic diseases. Identifiers: MedGen C0950123, MeSH D030342.

gnomAD v4.1: 1 of 1,613,340 alleles (0.000062%); highest among the groups gnomAD compares: Non-Finnish European, 0.000085%; no homozygotes.

Submissions (2):

GeneDx
Classification: Uncertain significance. Last evaluated: 2026-03-09. Review status: criteria provided, single submitter. Criteria: GeneDx Variant Classification Process June 2021. Collection method: clinical testing. Allele origin: germline.
Comment: Not observed at significant frequency in large population cohorts (gnomAD); In silico analysis supports that this missense variant has a deleterious effect on protein structure/function; Has not been previously published as pathogenic or benign to our knowledge

Ambry Genetics
Classification: Uncertain significance for Inborn genetic diseases. Last evaluated: 2024-09-26. Review status: criteria provided, single submitter. Criteria: Ambry Variant Classification Scheme 2023. Collection method: clinical testing. Allele origin: germline.